The following is an entry in ClinVar:

NM_000138.5(FBN1):c.5062del (p.Met1688fs)

Gene: FBN1 (fibrillin 1; minus strand). Cytogenetic location: 15q21.1.
Variant type: Deletion.
Coding change: c.5062del on transcript NM_000138.5 (MANE Select); coding-DNA position 5062, one base deleted (A; older notation c.5062delA).
Protein change: p.Met1688fs; shifts the reading frame from methionine 1688.
Molecular consequence: frameshift variant.
Genome position (GRCh38, 1-based): chr15:48,463,902, T deleted on the plus strand (A on the coding strand, the reverse complement: FBN1 is on the minus strand). VCF-style (leftmost placement, unchanged base first): chr15-48463901-AT-A. GRCh37 (hg19) VCF-style: chr15-48756098-AT-A.
Other names: c.5062delA (NM_000138.4); short protein forms M1688fs.
Identifiers: ClinVar variation 527196 (VCV000527196.6), dbSNP rs1555396837, ClinGen allele CA658798356.
Genomic context (GRCh38, chr15:48,463,901, plus strand): 5'-CTCTTCCTCTTTGTAGATGAGAACCAAACATGCATTACTGAGAAAAGCTTGGACTTACCC[AT>A]GCAATTATTTCCCCCATTCACTTGCATGTAGTCTGGAGGACAGATACAGGTGTAGTTGCC-3'

ClinVar aggregate classification (germline): Pathogenic (1 of 4 stars; one submission).

Conditions:
Familial thoracic aortic aneurysm and aortic dissection (TAAD). Also called: Thoracic aortic aneurysms and dissections. Identifiers: Orphanet 91387, MedGen C4707243, MONDO:0019625.
Marfan syndrome (MFS). Also called: Marfan syndrome type 1; Marfan syndrome, classic; Marfan's syndrome; FBN1-Related Marfan Syndrome; MARFAN SYNDROME, TYPE I. Identifiers: Orphanet 284963, Orphanet 558, MedGen C0024796, MONDO:0007947, OMIM 154700.

Submission:

Labcorp Genetics (formerly Invitae), Labcorp
Classification: Pathogenic for Marfan syndrome; Familial thoracic aortic aneurysm and aortic dissection. Last evaluated: 2017-12-16. Review status: criteria provided, single submitter. Criteria: Invitae Variant Classification Sherloc (09022015). Collection method: clinical testing. Allele origin: germline.
Comment: For these reasons, this variant has been classified as Pathogenic. Loss-of-function variants in FBN1 are known to be pathogenic (PMID: 17657824, 19293843). This variant has not been reported in the literature in individuals with FBN1-related disease. This variant is not present in population databases (ExAC no frequency). This sequence change creates a premature translational stop signal (p.Met1688Trpfs*3) in the FBN1 gene. It is expected to result in an absent or disrupted protein product.

Literature cited by the submitters: PubMed 17657824; PubMed 19293843.